The following is an entry in ClinVar:

ClinVar aggregate classification (germline): Uncertain significance (1 of 4 stars; one submission).

Conditions:
DOCK2 deficiency. Also called: Immunodeficiency 40. Identifiers: Orphanet 447737, MedGen C4225328, MONDO:0014637, OMIM 616433.

Allele frequency attached by ClinVar (database versions not stated): gnomAD exomes below 0.00001; TOPMed below 0.00001; ExAC 0.00001; gnomAD 0.00001; ESP Exome Variant Server 0.00008.
gnomAD v4.1: 4 of 1,614,036 alleles (0.00025%); highest among the groups gnomAD compares: Non-Finnish European, 0.00025%; no homozygotes.

Submission:

Labcorp Genetics (formerly Invitae), Labcorp
Classification: Uncertain significance for DOCK2 deficiency. Last evaluated: 2019-10-28. Review status: criteria provided, single submitter. Criteria: Invitae Variant Classification Sherloc (09022015). Collection method: clinical testing. Allele origin: germline.
Comment: In summary, the available evidence is currently insufficient to determine the role of this variant in disease. Therefore, it has been classified as a Variant of Uncertain Significance. Algorithms developed to predict the effect of missense changes on protein structure and function are either unavailable or do not agree on the potential impact of this missense change (SIFT: "Deleterious"; PolyPhen-2: "Benign"; Align-GVGD: "Class C0"). This variant has not been reported in the literature in individuals with DOCK2-related conditions. This variant is present in population databases (rs371835495, ExAC 0.002%). This sequence change replaces serine with arginine at codon 1813 of the DOCK2 protein (p.Ser1813Arg). The serine residue is weakly conserved and there is a moderate physicochemical difference between serine and arginine.

NM_004946.3(DOCK2):c.5439C>G (p.Ser1813Arg)

Gene: DOCK2 (dedicator of cytokinesis 2; plus strand). Cytogenetic location: 5q35.1.
Variant type: single nucleotide variant.
Coding change: c.5439C>G on transcript NM_004946.3 (MANE Select); coding-DNA position 5439, C replaced by G.
Protein change: p.Ser1813Arg; replaces serine 1813 with arginine.
Molecular consequence: missense variant. On other transcripts: non-coding transcript variant (1).
Genome position (GRCh38, 1-based): chr5:170,082,804, C>G. VCF-style: chr5-170082804-C-G. GRCh37 (hg19) VCF-style: chr5-169509808-C-G.
Other names: short protein forms S1813R.
Identifiers: ClinVar variation 959804 (VCV000959804.9), dbSNP rs371835495, ClinGen allele CA3554890.